The following is an entry in ClinVar:

ClinVar aggregate classification (germline): Uncertain significance (1 of 4 stars; one submission).

Conditions:
Spermatogenic failure 18. Identifiers: MedGen C4539783, MONDO:0054615, OMIM 617576.
Ciliary dyskinesia, primary, 37 (CILD37). Also called: CILIARY DYSKINESIA, PRIMARY, 37, WITH OR WITHOUT SITUS INVERSUS. Identifiers: MedGen C4539798, MONDO:0033204, OMIM 617577.

Allele frequency attached by ClinVar (database versions not stated): gnomAD 0.00001; gnomAD exomes 0.00001 and 0.00002; TOPMed 0.00001; ExAC 0.00003.

Submission:

Labcorp Genetics (formerly Invitae), Labcorp
Classification: Uncertain significance for Ciliary dyskinesia, primary, 37; Spermatogenic failure 18. Last evaluated: 2024-10-22. Review status: criteria provided, single submitter. Criteria: Invitae Variant Classification Sherloc (09022015). Collection method: clinical testing. Allele origin: germline.
Comment: This sequence change replaces arginine, which is basic and polar, with histidine, which is basic and polar, at codon 3261 of the DNAH1 protein (p.Arg3261His). This variant is present in population databases (rs769112796, gnomAD 0.006%). This variant has not been reported in the literature in individuals affected with DNAH1-related conditions. ClinVar contains an entry for this variant (Variation ID: 1370213). Invitae Evidence Modeling of protein sequence and biophysical properties (such as structural, functional, and spatial information, amino acid conservation, physicochemical variation, residue mobility, and thermodynamic stability) has been performed for this missense variant. However, the output from this modeling did not meet the statistical confidence thresholds required to predict the impact of this variant on DNAH1 protein function. In summary, the available evidence is currently insufficient to determine the role of this variant in disease. Therefore, it has been classified as a Variant of Uncertain Significance.

NM_015512.5(DNAH1):c.9782G>A (p.Arg3261His)

Gene: DNAH1 (dynein axonemal heavy chain 1; plus strand). Cytogenetic location: 3p21.1.
Variant type: single nucleotide variant.
Coding change: c.9782G>A on transcript NM_015512.5 (MANE Select); coding-DNA position 9782, G replaced by A.
Protein change: p.Arg3261His; replaces arginine 3261 with histidine.
Molecular consequence: missense variant.
Genome position (GRCh38, 1-based): chr3:52,391,219, G>A. VCF-style: chr3-52391219-G-A. GRCh37 (hg19) VCF-style: chr3-52425235-G-A.
Other names: short protein forms R3261H.
Identifiers: ClinVar variation 1370213 (VCV001370213.8), dbSNP rs769112796, ClinGen allele CA2435614.